The following is an entry in ClinVar:

NM_004990.4(MARS1):c.1195C>T (p.Arg399Cys)

Gene: MARS1 (methionyl-tRNA synthetase 1; plus strand). Cytogenetic location: 12q13.3.
Variant type: single nucleotide variant.
Coding change: c.1195C>T on transcript NM_004990.4 (MANE Select); coding-DNA position 1195, C replaced by T.
Protein change: p.Arg399Cys; replaces arginine 399 with cysteine.
Molecular consequence: missense variant.
Genome position (GRCh38, 1-based): chr12:57,500,424, C>T. VCF-style: chr12-57500424-C-T. GRCh37 (hg19) VCF-style: chr12-57894207-C-T.
Other names: c.1195C>T (NM_004990.3); short protein forms R399C.
Identifiers: ClinVar variation 2924077 (VCV002924077.5), dbSNP rs777616090, ClinGen allele CA6650437.

ClinVar aggregate classification (germline): Uncertain significance. Review status: criteria provided, multiple submitters, no conflicts (2 of 4 stars). 3 submissions from 3 submitters: Uncertain significance (3). Last evaluated 2026-07-01.

Conditions:
Charcot-Marie-Tooth disease axonal type 2U. Also called: CHARCOT-MARIE-TOOTH NEUROPATHY, TYPE 2U; CHARCOT-MARIE-TOOTH DISEASE, AXONAL, AUTOSOMAL DOMINANT, TYPE 2U. Identifiers: Orphanet 397735, MedGen C4084821, MONDO:0014566, OMIM 616280.
Severe early-onset pulmonary alveolar proteinosis due to MARS deficiency. Also called: PULMONARY ALVEOLAR PROTEINOSIS, REUNION ISLAND; Interstitial lung and liver disease. Identifiers: Orphanet 440427, MedGen C4225400, MONDO:0014206, OMIM 615486.
MARS1-related disorder. Also called: MARS1-related condition.

Allele frequency attached by ClinVar (database versions not stated): ExAC 0.00001; gnomAD exomes 0.00001.

Submissions (3):

CeGaT Center for Human Genetics Tuebingen
Classification: Uncertain significance. Last evaluated: 2026-07-01. Review status: criteria provided, single submitter. Criteria: CeGaT Center For Human Genetics Tuebingen Variant Classification Criteria Version 2. Collection method: clinical testing. Allele origin: germline. Affected: yes. Observed: 1 variant allele.
Comment: MARS1: PM2, PP3

Labcorp Genetics (formerly Invitae), Labcorp
Classification: Uncertain significance for Charcot-Marie-Tooth disease axonal type 2U; Severe early-onset pulmonary alveolar proteinosis due to MARS deficiency. Last evaluated: 2025-11-03. Review status: criteria provided, single submitter. Criteria: Invitae Variant Classification Sherloc (09022015). Collection method: clinical testing. Allele origin: germline.
Comment: This sequence change replaces arginine, which is basic and polar, with cysteine, which is neutral and slightly polar, at codon 399 of the MARS protein (p.Arg399Cys). This variant is present in population databases (rs777616090, gnomAD 0.006%). This variant has not been reported in the literature in individuals affected with MARS-related conditions. ClinVar contains an entry for this variant (Variation ID: 2924077). An algorithm developed to predict the effect of missense changes on protein structure and function (PolyPhen-2) suggests that this variant is likely to be disruptive. In summary, the available evidence is currently insufficient to determine the role of this variant in disease. Therefore, it has been classified as a Variant of Uncertain Significance.

PreventionGenetics, part of Exact Sciences
Classification: Uncertain significance for MARS1-related condition. Last evaluated: 2025-03-21. Review status: criteria provided, single submitter. Criteria: ACMG Guidelines, 2015. Collection method: clinical testing. Allele origin: germline.
Comment: The MARS1 c.1195C>T variant is predicted to result in the amino acid substitution p.Arg399Cys. To our knowledge, this variant has not been reported in the literature. This variant is reported in 0.0058% of alleles in individuals of Latino descent in gnomAD. At this time, the clinical significance of this variant is uncertain due to the absence of conclusive functional and genetic evidence.